The following is an entry in ClinVar:

ClinVar aggregate classification (germline): Uncertain significance (1 of 4 stars; one submission).

Submission:

Labcorp Genetics (formerly Invitae), Labcorp
Classification: Uncertain significance. Last evaluated: 2023-09-05. Review status: criteria provided, single submitter. Criteria: Invitae Variant Classification Sherloc (09022015). Collection method: clinical testing. Allele origin: germline.
Comment: This variant is not present in population databases (gnomAD no frequency). This variant, c.997_999del, results in the deletion of 1 amino acid(s) of the SEPT9 protein (p.Glu333del), but otherwise preserves the integrity of the reading frame. This variant has not been reported in the literature in individuals affected with SEPT9-related conditions. Experimental studies and prediction algorithms are not available or were not evaluated, and the functional significance of this variant is currently unknown. In summary, the available evidence is currently insufficient to determine the role of this variant in disease. Therefore, it has been classified as a Variant of Uncertain Significance.

NM_001113491.2(SEPTIN9):c.1048GAG[1] (p.Glu351del)

Gene: SEPTIN9 (septin 9; plus strand). Cytogenetic location: 17q25.3.
Variant type: Microsatellite.
Coding change: c.1048GAG[1] on transcript NM_001113491.2 (MANE Select); one copy of the 3-base unit GAG starting at c.1048; the reference has two copies in a row; one copy, 3 bases deleted.
Protein change: p.Glu351del; deletes glutamic acid 351.
Molecular consequence: inframe deletion.
Genome position (GRCh38, 1-based): chr17:77,488,248-77,488,250, GAG deleted; deleting any 3 consecutive bases within chr17:77,488,245-77,488,250 gives the same sequence; the position shown is the placement nearest the transcript's 3' end. VCF-style (leftmost placement, unchanged base first): chr17-77488244-TGAG-T. GRCh37 (hg19) VCF-style: chr17-75484326-TGAG-T.
Other names: c.556GAG[1], p.Glu187del (NM_001113492.2, NM_001113494.1); c.1027GAG[1], p.Glu344del (NM_001113493.2); c.295GAG[1], p.Glu100del (NM_001113495.2, NM_001113496.2, NM_001293697.2 and 1 more transcripts); c.991GAG[1], p.Glu332del (NM_001293695.2); c.376GAG[1], p.Glu127del (NM_001293696.2); c.994GAG[1], p.Glu333del (NM_006640.5); short protein forms E100del, E351del, E332del, E333del, E344del, E127del, E187del.
Identifiers: ClinVar variation 2748981 (VCV002748981.3), dbSNP rs2510110694, ClinGen allele CA2697555204.